The following is an entry in ClinVar:

ClinVar aggregate classification (germline): Conflicting classifications of pathogenicity. Review status: criteria provided, conflicting classifications (1 of 4 stars). 10 submissions from 7 submitters: Uncertain significance (4); Benign (1); Likely benign (4). 1 of the submissions does not count toward it. Last evaluated 2025-12-23.

Conditions:
Fetal hemoglobin quantitative trait locus 1 (HBFQTL1). Identifiers: Orphanet 251380, MedGen C1841621.
Hemoglobin E. Identifiers: MedGen C3889325.
Hb SS disease (SCD). Also called: Sickle cell anemia; Sickle cell disease; HbS disease; Hemoglobin S Disease; Sickling disorder due to hemoglobin S; Hemoglobin SS. Identifiers: Orphanet 232, Orphanet 275752, MedGen C0002895, MONDO:0011382, OMIM 603903.
beta Thalassemia (BTHAL). Also called: Cooley's anemia; Erythroblastic anemia; Mediterranean anemia. Identifiers: Orphanet 848, MedGen C0005283, MONDO:0019402. Disease mechanism: loss of function.

Allele frequency attached by ClinVar (database versions not stated): gnomAD 0.00022; TOPMed 0.00025; ExAC 0.00030; 1000 Genomes Project 30x 0.00094; 1000 Genomes Project 0.00100.
gnomAD v4.1: 93 of 1,614,154 alleles (0.0058%); highest among the groups gnomAD compares: East Asian, 0.19%; 1 homozygote.

Submissions (10):

Labcorp Genetics (formerly Invitae), Labcorp
Classification: Benign. Last evaluated: 2025-12-23. Review status: criteria provided, single submitter. Criteria: Invitae Variant Classification Sherloc (09022015). Collection method: clinical testing. Allele origin: germline.

Quest Diagnostics Nichols Institute San Juan Capistrano
Classification: Likely benign. Last evaluated: 2025-07-08. Review status: criteria provided, single submitter. Criteria: Quest Diagnostics criteria. Collection method: clinical testing. Allele origin: unknown.

Blueprint Genetics
Classification: Likely benign. Last evaluated: 2024-03-28. Review status: criteria provided, single submitter. Criteria: ACMG Guidelines, 2015. Collection method: clinical testing. Allele origin: germline.

Women's Health and Genetics/Laboratory Corporation of America, LabCorp
Classification: Likely benign. Last evaluated: 2020-12-12. Review status: criteria provided, single submitter. Criteria: LabCorp Variant Classification Summary - May 2015. Collection method: clinical testing. Allele origin: germline.

ARUP Laboratories, Molecular Genetics and Genomics, ARUP Laboratories
Classification: Likely benign. Last evaluated: 2019-06-14. Review status: criteria provided, single submitter. Criteria: ARUP Molecular Germline Variant Investigation Process. Collection method: clinical testing. Allele origin: germline.

Illumina Laboratory Services, Illumina
Classification: Uncertain significance for Beta-thalassemia HBB/LCRB. Last evaluated: 2017-04-27. Review status: criteria provided, single submitter. Criteria: ICSL Variant Classification Criteria 13 December 2019. Collection method: clinical testing. Allele origin: germline.
Comment: This variant was observed as part of a predisposition screen in an ostensibly healthy population. A literature search was performed for the gene, cDNA change, and amino acid change (where applicable). Publications were found based on this search. However, the evidence from the literature, in combination with allele frequency data from public databases where available, was not sufficient to rule this variant in or out of causing disease. Therefore, this variant is classified as a variant of unknown significance.

Illumina Laboratory Services, Illumina
Classification: Uncertain significance for Hemoglobin E. Last evaluated: 2017-04-27. Review status: criteria provided, single submitter. Criteria: ICSL Variant Classification Criteria 13 December 2019. Collection method: clinical testing. Allele origin: germline.

Illumina Laboratory Services, Illumina
Classification: Uncertain significance for Hb SS disease. Last evaluated: 2017-04-27. Review status: criteria provided, single submitter. Criteria: ICSL Variant Classification Criteria 13 December 2019. Collection method: clinical testing. Allele origin: germline.

Illumina Laboratory Services, Illumina
Classification: Uncertain significance for Hereditary persistence of fetal hemoglobin. Last evaluated: 2017-04-27. Review status: criteria provided, single submitter. Criteria: ICSL Variant Classification Criteria 13 December 2019. Collection method: clinical testing. Allele origin: germline.

Natera, Inc.
Classification: Likely benign for Beta thalassemia. Last evaluated: 2018-07-26. Review status: no assertion criteria provided. Collection method: clinical testing. Allele origin: germline. Not counted in ClinVar's aggregate classification.

Literature cited by the submitters: PubMed 20395516 (cited by 3 submitters); PubMed 28379995 (cited by Quest Diagnostics Nichols Institute San Juan Capistrano); PubMed 34100337 (cited by Quest Diagnostics Nichols Institute San Juan Capistrano).

NM_000518.5(HBB):c.246C>A (p.Leu82=)

Genes: HBB (hemoglobin subunit beta; minus strand), LOC106099062 (HBB recombination region; plus strand), LOC107133510 (origin of replication at HBB; plus strand). Cytogenetic location: 11p15.4.
Variant type: single nucleotide variant.
Coding change: c.246C>A on transcript NM_000518.5 (MANE Select); coding-DNA position 246, C replaced by A.
Protein change: p.Leu82=; no amino-acid change (leucine 82 retained).
Molecular consequence: synonymous variant.
Genome position (GRCh38, 1-based): chr11:5,226,646, G>T on the plus strand (C>A on the coding strand, the complement: HBB is on the minus strand). VCF-style: chr11-5226646-G-T. GRCh37 (hg19) VCF-style: chr11-5247876-G-T.
Identifiers: ClinVar variation 439778 (VCV000439778.36), dbSNP rs145669504, ClinGen allele CA5839741.
Genomic context (GRCh38, chr11:5,226,646, plus strand): 5'-CTCAGGATCCACGTGCAGCTTGTCACAGTGCAGCTCACTCAGTGTGGCAAAGGTGCCCTT[G>T]AGGTTGTCCAGGTGAGCCAGGCCATCACTAAAGGCACCGAGCACTTTCTTGCCATGAGCC-3'
Protein context (NP_000509.1, residues 72-92): FSDGLAHLDN[Leu82=]KGTFATLSEL